The following is an entry in ClinVar:

ClinVar aggregate classification (germline): Conflicting classifications of pathogenicity. Review status: criteria provided, conflicting classifications (1 of 4 stars). 3 submissions from 3 submitters: Uncertain significance (2); Likely benign (1). Last evaluated 2024-10-17.

Conditions:
Rubinstein-Taybi syndrome due to EP300 haploinsufficiency. Also called: EP300-Related Rubinstein-Taybi Syndrome; RUBINSTEIN-TAYBI SYNDROME 2. Identifiers: Orphanet 353284, Orphanet 783, MedGen C3150941, MONDO:0013364, OMIM 613684.

Allele frequency attached by ClinVar (database versions not stated): gnomAD exomes below 0.00001.
gnomAD v4.1: 1 of 1,614,088 alleles (0.000062%); highest among the groups gnomAD compares: Admixed American, 0.0017%; no homozygotes.

Submissions (3):

Labcorp Genetics (formerly Invitae), Labcorp
Classification: Likely benign for Rubinstein-Taybi syndrome due to EP300 haploinsufficiency. Last evaluated: 2024-10-17. Review status: criteria provided, single submitter. Criteria: Invitae Variant Classification Sherloc (09022015). Collection method: clinical testing. Allele origin: germline.

GeneDx
Classification: Uncertain significance. Last evaluated: 2020-04-03. Review status: criteria provided, single submitter. Criteria: GeneDx Variant Classification Process June 2021. Collection method: clinical testing. Allele origin: germline. Affected: yes.
Comment: Identified in a patient with intellectual disability and dysmorphic facies in published literature (Scocchia et al., 2019); In silico analysis supports that this missense variant has a deleterious effect on protein structure/function; This variant is associated with the following publications: (PMID: 30792901)

Illumina Laboratory Services, Illumina
Classification: Uncertain significance for Rubinstein-Taybi syndrome due to EP300 haploinsufficiency. Last evaluated: 2017-09-01. Review status: criteria provided, single submitter. Criteria: ICSLVariantClassificationCriteria RUGD 01 April 2020. Collection method: clinical testing. Allele origin: unknown.
Comment: The EP300 c.2876G>T p.(Ser959Ile) missense variant has not, to our knowledge, been reported in the peer-reviewed literature. This variant is reported in the Genome Aggregation Database in one allele at a frequency of 0.000029 in the Admixed American population (version 2.1.1). Based on the limited evidence, the c.2876G>T p.(Ser959Ile) variant is classified as a variant of uncertain significance for Rubinstein-Taybi syndrome.

NM_001429.4(EP300):c.2876G>T (p.Ser959Ile)

Genes: EP300 (EP300 lysine acetyltransferase; plus strand), LOC126863158 (BRD4-independent group 4 enhancer GRCh37_chr22:41547383-41548582; plus strand). Cytogenetic location: 22q13.2.
Variant type: single nucleotide variant.
Coding change: c.2876G>T on transcript NM_001429.4 (MANE Select); coding-DNA position 2876, G replaced by T.
Protein change: p.Ser959Ile; replaces serine 959 with isoleucine.
Molecular consequence: missense variant.
Genome position (GRCh38, 1-based): chr22:41,151,891, G>T. VCF-style: chr22-41151891-G-T. GRCh37 (hg19) VCF-style: chr22-41547895-G-T.
Other names: c.2798G>T, p.Ser933Ile (NM_001362843.2); short protein forms S933I, S959I.
Identifiers: ClinVar variation 1190573 (VCV001190573.6), dbSNP rs1308182502, ClinGen allele CA411692823.
Genomic context (GRCh38, chr22:41,151,891, plus strand): 5'-AGCTTTCCCAGCCAGCTGTAAGCATTGAAGGACAGGTATCAAATCCTCCATCTACTAGTA[G>T]CACAGAAGTGAATTCTCAGGCCATTGCTGAGAAGCAGCCTTCCCAGGAAGTGAAGATGGA-3'
Protein context (NP_001420.2, residues 949-969): GQVSNPPSTS[Ser959Ile]TEVNSQAIAE